The following is an entry in ClinVar:

NM_178857.6(RP1L1):c.5308C>T (p.Gln1770Ter)

Gene: RP1L1 (RP1 like 1). Cytogenetic location: 8p23.1.
Variant type: single nucleotide variant.
Coding change: c.5308C>T on transcript NM_178857.6 (MANE Select); coding-DNA position 5308, C replaced by T.
Protein change: p.Gln1770Ter; replaces glutamine 1770 with a stop codon.
Molecular consequence: nonsense.
Genome position (GRCh38, 1-based): chr8:10,608,790, G>A on the plus strand (C>T on the coding strand, the complement: RP1L1 is on the minus strand). VCF-style: chr8-10608790-G-A. GRCh37 (hg19) VCF-style: chr8-10466300-G-A.
Other names: short protein forms Q1770*.
Identifiers: ClinVar variation 452125 (VCV000452125.2), dbSNP rs986853401, ClinGen allele CA171940955.
Genomic context (GRCh38, chr8:10,608,790, plus strand): 5'-CTTCCCCCAACTCACTGCCCGCACTGGTTTCACTGTTGTGGGTTTTCCCTTCTCTCTCCT[G>A]AGCCATTGCATCTCCCTCTGCCTCCCCGAGTTTGGGATCTTTGTCTCTGTTGAGTCTCTG-3'

ClinVar aggregate classification (germline): Likely pathogenic (1 of 4 stars; one submission).

Allele frequency attached by ClinVar (database versions not stated): gnomAD exomes below 0.00001.
gnomAD v4.1: 1 of 1,614,096 alleles (0.000062%); highest among the groups gnomAD compares: Non-Finnish European, 0.000085%; no homozygotes.

Submission:

GeneDx
Classification: Likely pathogenic. Last evaluated: 2018-06-15. Review status: criteria provided, single submitter. Criteria: GeneDx Variant Classification (06012015). Collection method: clinical testing. Allele origin: germline. Affected: yes.
Comment: The Q1770X variant in the RP1L1 gene has not been reported previously as a pathogenic variant nor as a benign variant, to our knowledge. This variant is predicted to cause loss of normal protein function through protein truncation as the last 631 amino acid residues are lost. Other loss-of-function variants have been reported downstream in the Human Gene Mutation Database (Stenson et al., 2014). The Q1770X variant is not observed in large population cohorts (Lek et al., 2016). We interpret Q1770X as a likely pathogenic variant.